The following is an entry in ClinVar:

NM_002907.4(RECQL):c.1039A>C (p.Asn347His)

Gene: RECQL (RecQ like helicase; minus strand). Cytogenetic location: 12p12.1.
Variant type: single nucleotide variant.
Coding change: c.1039A>C on transcript NM_002907.4 (MANE Select); coding-DNA position 1039, A replaced by C.
Protein change: p.Asn347His; replaces asparagine 347 with histidine.
Molecular consequence: missense variant.
Genome position (GRCh38, 1-based): chr12:21,475,735, T>G on the plus strand (A>C on the coding strand, the complement: RECQL is on the minus strand). VCF-style: chr12-21475735-T-G. GRCh37 (hg19) VCF-style: chr12-21628669-T-G.
Other names: c.1039A>C, p.Asn347His (NM_032941.3); short protein forms N347H.
Identifiers: ClinVar variation 999498 (VCV000999498.13), dbSNP rs1320111341, ClinGen allele CA384121431.

ClinVar aggregate classification (germline): Uncertain significance. Review status: criteria provided, multiple submitters, no conflicts (2 of 4 stars). 3 submissions from 3 submitters: Uncertain significance (3). Last evaluated 2024-10-20.

Allele frequency attached by ClinVar (database versions not stated): gnomAD exomes 0.00001 and 0.00002; TOPMed 0.00001; gnomAD 0.00002.
gnomAD v4.1: 29 of 1,613,428 alleles (0.0018%); highest among the groups gnomAD compares: Non-Finnish European, 0.0023%; no homozygotes.

Submissions (3):

Ambry Genetics
Classification: Uncertain significance. Last evaluated: 2024-10-20. Review status: criteria provided, single submitter. Criteria: Ambry Variant Classification Scheme 2023. Collection method: clinical testing. Allele origin: germline.
Comment: The p.N347H variant (also known as c.1039A>C), located in coding exon 8 of the RECQL gene, results from an A to C substitution at nucleotide position 1039. The asparagine at codon 347 is replaced by histidine, an amino acid with similar properties. This amino acid position is well conserved in available vertebrate species. In addition, this alteration is predicted to be tolerated by in silico analysis. Since supporting evidence is limited at this time, the clinical significance of this alteration remains unclear.

Labcorp Genetics (formerly Invitae), Labcorp
Classification: Uncertain significance. Last evaluated: 2024-04-16. Review status: criteria provided, single submitter. Criteria: Invitae Variant Classification Sherloc (09022015). Collection method: clinical testing. Allele origin: germline.
Comment: This sequence change replaces asparagine, which is neutral and polar, with histidine, which is basic and polar, at codon 347 of the RECQL protein (p.Asn347His). This variant is present in population databases (no rsID available, gnomAD 0.004%). This variant has not been reported in the literature in individuals affected with RECQL-related conditions. ClinVar contains an entry for this variant (Variation ID: 999498). Advanced modeling of protein sequence and biophysical properties (such as structural, functional, and spatial information, amino acid conservation, physicochemical variation, residue mobility, and thermodynamic stability) performed at Invitae indicates that this missense variant is not expected to disrupt RECQL protein function with a negative predictive value of 80%. In summary, the available evidence is currently insufficient to determine the role of this variant in disease. Therefore, it has been classified as a Variant of Uncertain Significance.

GeneDx
Classification: Uncertain significance. Last evaluated: 2023-09-05. Review status: criteria provided, single submitter. Criteria: GeneDx Variant Classification Process June 2021. Collection method: clinical testing. Allele origin: germline. Affected: yes.
Comment: Not observed at significant frequency in large population cohorts (gnomAD); In silico analysis supports that this missense variant does not alter protein structure/function; Has not been previously published as pathogenic or benign to our knowledge; Variants in candidate genes are classified as variants of uncertain significance in accordance with ACMG guidelines (Richards et al., 2015); This variant is associated with the following publications: (PMID: 19151156, 27248010)